The following is an entry in ClinVar:

NM_000466.3(PEX1):c.548G>A (p.Arg183Gln)

Gene: PEX1 (peroxisomal biogenesis factor 1; minus strand). Cytogenetic location: 7q21.2.
Variant type: single nucleotide variant.
Coding change: c.548G>A on transcript NM_000466.3 (MANE Select); coding-DNA position 548, G replaced by A.
Protein change: p.Arg183Gln; replaces arginine 183 with glutamine.
Molecular consequence: missense variant. On other transcripts: 5 prime UTR variant (1).
Genome position (GRCh38, 1-based): chr7:92,517,967, C>T on the plus strand (G>A on the coding strand, the complement: PEX1 is on the minus strand). VCF-style: chr7-92517967-C-T. GRCh37 (hg19) VCF-style: chr7-92147281-C-T.
Other names: c.548G>A, p.Arg183Gln (NM_001282677.2); c.-77G>A (NM_001282678.2); c.548G>A (NM_000466.2); short protein forms R183Q.
Identifiers: ClinVar variation 2159278 (VCV002159278.2), dbSNP rs371413721, ClinGen allele CA161973896.
Genomic context (GRCh38, chr7:92,517,967, plus strand): 5'-CCATAACTATGAAGTTTTTTATATTCAGCATCAGCTTTTGAAAATGTATTCTCTTTGGCT[C>T]GGCGTGTCTTTGGCTGAATAAGGAGTTTGGTGTCAGTTTCCAGCCTTCCATAAGAGGCAG-3'
Protein context (NP_000457.1, residues 173-193): TKLLIQPKTR[Arg183Gln]AKENTFSKAD

ClinVar aggregate classification (germline): Conflicting classifications of pathogenicity. Review status: criteria provided, conflicting classifications (1 of 4 stars). 2 submissions from 2 submitters: Uncertain significance (1); Likely benign (1). Last evaluated 2022-06-19.

Conditions:
Inborn genetic diseases. Identifiers: MedGen C0950123, MeSH D030342.
Zellweger spectrum disorders (ZS). Also called: Zellweger Spectrum Disorder (ZSD); Zellweger Spectrum Disorder; Zellweger Spectrum; Zellweger syndrome. Identifiers: Orphanet 912, MedGen C0043459, MONDO:0019609.

Allele frequency attached by ClinVar (database versions not stated): TOPMed 0.00001.
gnomAD v4.1: 12 of 1,611,388 alleles (0.00074%); highest among the groups gnomAD compares: Middle Eastern, 0.017%; no homozygotes.

Submissions (2):

Labcorp Genetics (formerly Invitae), Labcorp
Classification: Uncertain significance for Zellweger spectrum disorders. Last evaluated: 2022-06-19. Review status: criteria provided, single submitter. Criteria: Invitae Variant Classification Sherloc (09022015). Collection method: clinical testing. Allele origin: germline.
Comment: This sequence change replaces arginine, which is basic and polar, with glutamine, which is neutral and polar, at codon 183 of the PEX1 protein (p.Arg183Gln). This variant is present in population databases (rs371413721, gnomAD 0.0009%). This variant has not been reported in the literature in individuals affected with PEX1-related conditions. Advanced modeling of protein sequence and biophysical properties (such as structural, functional, and spatial information, amino acid conservation, physicochemical variation, residue mobility, and thermodynamic stability) performed at Invitae indicates that this missense variant is not expected to disrupt PEX1 protein function. In summary, the available evidence is currently insufficient to determine the role of this variant in disease. Therefore, it has been classified as a Variant of Uncertain Significance.

Ambry Genetics
Classification: Likely benign for Inborn genetic diseases. Last evaluated: 2022-05-11. Review status: criteria provided, single submitter. Criteria: Ambry Variant Classification Scheme 2023. Collection method: clinical testing. Allele origin: germline.